The following is an entry in ClinVar:

NM_003201.3(TFAM):c.644T>C (p.Met215Thr)

Gene: TFAM (transcription factor A, mitochondrial; plus strand). Cytogenetic location: 10q21.1.
Variant type: single nucleotide variant.
Coding change: c.644T>C on transcript NM_003201.3 (MANE Select); coding-DNA position 644, T replaced by C.
Protein change: p.Met215Thr; replaces methionine 215 with threonine.
Molecular consequence: missense variant. On other transcripts: non-coding transcript variant (1).
Genome position (GRCh38, 1-based): chr10:58,394,977, T>C. VCF-style: chr10-58394977-T-C. GRCh37 (hg19) VCF-style: chr10-60154737-T-C.
Other names: c.548T>C, p.Met183Thr (NM_001270782.2); short protein forms M183T, M215T.
Identifiers: ClinVar variation 3630814 (VCV003630814.2).

ClinVar aggregate classification (germline): Uncertain significance (1 of 4 stars; one submission).

Submission:

Labcorp Genetics (formerly Invitae), Labcorp
Classification: Uncertain significance. Last evaluated: 2024-01-25. Review status: criteria provided, single submitter. Criteria: Invitae Variant Classification Sherloc (09022015). Collection method: clinical testing. Allele origin: germline.
Comment: This sequence change replaces methionine, which is neutral and non-polar, with threonine, which is neutral and polar, at codon 215 of the TFAM protein (p.Met215Thr). This variant is not present in population databases (gnomAD no frequency). This variant has not been reported in the literature in individuals affected with TFAM-related conditions. Advanced modeling of protein sequence and biophysical properties (such as structural, functional, and spatial information, amino acid conservation, physicochemical variation, residue mobility, and thermodynamic stability) performed at Invitae indicates that this missense variant is not expected to disrupt TFAM protein function with a negative predictive value of 80%. In summary, the available evidence is currently insufficient to determine the role of this variant in disease. Therefore, it has been classified as a Variant of Uncertain Significance.